The following is an entry in ClinVar:

ClinVar aggregate classification (germline): Uncertain significance (1 of 4 stars; one submission).

Allele frequency attached by ClinVar (database versions not stated): TOPMed below 0.00001.
gnomAD v4.1: 23 of 1,614,126 alleles (0.0014%); highest among the groups gnomAD compares: Non-Finnish European, 0.0019%; no homozygotes.

Submission:

Labcorp Genetics (formerly Invitae), Labcorp
Classification: Uncertain significance. Last evaluated: 2022-05-07. Review status: criteria provided, single submitter. Criteria: Invitae Variant Classification Sherloc (09022015). Collection method: clinical testing. Allele origin: germline.
Comment: This sequence change replaces isoleucine, which is neutral and non-polar, with asparagine, which is neutral and polar, at codon 638 of the PCDH12 protein (p.Ile638Asn). This variant is not present in population databases (gnomAD no frequency). This variant has not been reported in the literature in individuals affected with PCDH12-related conditions. Algorithms developed to predict the effect of missense changes on protein structure and function (SIFT, PolyPhen-2, Align-GVGD) all suggest that this variant is likely to be disruptive. In summary, the available evidence is currently insufficient to determine the role of this variant in disease. Therefore, it has been classified as a Variant of Uncertain Significance.

NM_016580.4(PCDH12):c.1913T>A (p.Ile638Asn)

Genes: PCDH12 (protocadherin 12; minus strand), RNF14 (ring finger protein 14; plus strand). Cytogenetic location: 5q31.3.
Variant type: single nucleotide variant.
Coding change: c.1913T>A on transcript NM_016580.4 (MANE Select); coding-DNA position 1913, T replaced by A.
Protein change: p.Ile638Asn; replaces isoleucine 638 with asparagine.
Molecular consequence: missense variant.
Genome position (GRCh38, 1-based): chr5:141,955,939, A>T on the plus strand (T>A on the coding strand, the complement: PCDH12 is on the minus strand). VCF-style: chr5-141955939-A-T. GRCh37 (hg19) VCF-style: chr5-141335504-A-T.
Other names: short protein forms I638N.
Identifiers: ClinVar variation 2069058 (VCV002069058.2), dbSNP rs750575148, ClinGen allele CA128479926.